The following is an entry in ClinVar:

NM_153033.5(KCTD7):c.387C>T (p.Ala129=)

Gene: KCTD7 (potassium channel tetramerization domain containing 7; plus strand). Cytogenetic location: 7q11.21.
Variant type: single nucleotide variant.
Coding change: c.387C>T on transcript NM_153033.5 (MANE Select); coding-DNA position 387, C replaced by T.
Protein change: p.Ala129=; no amino-acid change (alanine 129 retained).
Molecular consequence: synonymous variant.
Genome position (GRCh38, 1-based): chr7:66,638,325, C>T. VCF-style: chr7-66638325-C-T. GRCh37 (hg19) VCF-style: chr7-66103312-C-T.
Other names: c.387C>T, p.Ala129= (NM_001167961.2).
Identifiers: ClinVar variation 378040 (VCV000378040.19), dbSNP rs140932942, ClinGen allele CA4278247.

ClinVar aggregate classification (germline): Conflicting classifications of pathogenicity. Review status: criteria provided, conflicting classifications (1 of 4 stars). 7 submissions from 7 submitters: Uncertain significance (1); Benign (1); Likely benign (4). 1 of the submissions does not count toward it. Last evaluated 2026-09-01.

Conditions:
KCTD7-related disorder. Also called: KCTD7-related condition.
Progressive myoclonic epilepsy type 3. Also called: EPILEPSY, PROGRESSIVE MYOCLONIC, 3, WITH OR WITHOUT INTRACELLULAR INCLUSIONS; CEROID LIPOFUSCINOSIS, NEURONAL, 14; EPILEPSY, PROGRESSIVE MYOCLONIC, 3, WITHOUT INTRACELLULAR INCLUSIONS; KCTD7-Related Progressive Myoclonic Epilepsy. Identifiers: Orphanet 263516, MedGen C2673257, MONDO:0012721, OMIM 611726.

Allele frequency attached by ClinVar (database versions not stated): gnomAD exomes 0.00003 and 0.00007; ExAC 0.00007; 1000 Genomes Project 30x 0.00016; 1000 Genomes Project 0.00020; gnomAD 0.00029 and 0.00032; ESP Exome Variant Server 0.00031; TOPMed 0.00038.

Submissions (7):

CeGaT Center for Human Genetics Tuebingen
Classification: Likely benign. Last evaluated: 2026-09-01. Review status: criteria provided, single submitter. Criteria: CeGaT Center For Human Genetics Tuebingen Variant Classification Criteria Version 2. Collection method: clinical testing. Allele origin: germline. Affected: yes. Observed: 1 variant allele.
Comment: KCTD7: BP4, BP7

Labcorp Genetics (formerly Invitae), Labcorp
Classification: Likely benign for Progressive myoclonic epilepsy type 3. Last evaluated: 2026-01-12. Review status: criteria provided, single submitter. Criteria: Invitae Variant Classification Sherloc (09022015). Collection method: clinical testing. Allele origin: germline.

ARUP Laboratories, Molecular Genetics and Genomics, ARUP Laboratories
Classification: Likely benign for Progressive myoclonic epilepsy type 3. Last evaluated: 2024-06-06. Review status: criteria provided, single submitter. Criteria: ARUP Molecular Germline Variant Investigation Process 2024. Collection method: clinical testing. Allele origin: germline.

Athena Diagnostics
Classification: Likely benign. Last evaluated: 2018-11-08. Review status: criteria provided, single submitter. Criteria: Athena Diagnostics Criteria. Collection method: clinical testing. Allele origin: germline.

Eurofins Ntd Llc (ga)
Classification: Uncertain significance. Last evaluated: 2017-06-20. Review status: criteria provided, single submitter. Criteria: EGL Classification Definitions 2015. Collection method: clinical testing. Allele origin: germline. Observed: 1 variant allele, 1 heterozygote.

GeneDx
Classification: Benign. Last evaluated: 2015-07-13. Review status: criteria provided, single submitter. Criteria: GeneDx Variant Classification (06012015). Collection method: clinical testing. Allele origin: germline. Affected: yes.
Comment: This variant is considered likely benign or benign based on one or more of the following criteria: it is a conservative change, it occurs at a poorly conserved position in the protein, it is predicted to be benign by multiple in silico algorithms, and/or has population frequency not consistent with disease.

PreventionGenetics, part of Exact Sciences
Classification: Likely benign for KCTD7-related condition. Last evaluated: 2019-08-28. Review status: no assertion criteria provided. Collection method: clinical testing. Allele origin: germline. Not counted in ClinVar's aggregate classification.
Comment: This variant is classified as likely benign based on ACMG/AMP sequence variant interpretation guidelines (Richards et al. 2015 PMID: 25741868, with internal and published modifications).